The following is an entry in ClinVar:

NM_000284.4(PDHA1):c.759+30_759+31delinsGG

Gene: PDHA1 (pyruvate dehydrogenase E1 subunit alpha 1; plus strand). Cytogenetic location: Xp22.12.
Variant type: Indel.
Coding change: c.759+30_759+31delinsGG on transcript NM_000284.4 (MANE Select); bases 30 to 31 of the intron after coding-DNA position 759, AA replaced by GG.
Molecular consequence: intron variant.
Genome position (GRCh38, 1-based): chrX:19,355,534-19,355,535, AA replaced by GG. VCF-style: chrX-19355534-AA-GG. GRCh37 (hg19) VCF-style: chrX-19373652-AA-GG.
Other names: p.?; c.873+30_873+31delinsGG (NM_001173454.2); c.780+30_780+31delinsGG (NM_001173455.2); c.666+30_666+31delinsGG (NM_001173456.2).
Identifiers: ClinVar variation 4684510 (VCV004684510.1).

ClinVar aggregate classification (germline): Likely benign (1 of 4 stars; one submission).

Submission:

Mayo Clinic Laboratories, Mayo Clinic
Classification: Likely benign. Last evaluated: 2024-10-15. Review status: criteria provided, single submitter. Criteria: ACMG Guidelines, 2015. Collection method: clinical testing. Allele origin: germline. Observed: 1 variant allele.
Comment: BP4, BP7